The following is an entry in ClinVar:

ClinVar aggregate classification (germline): Uncertain significance (1 of 4 stars; one submission).

Conditions:
Hereditary spastic paraplegia 47. Also called: CEREBRAL PALSY, SPASTIC QUADRIPLEGIC, 5; Spastic paraplegia 47, autosomal recessive; adaptor protein 4 (AP-4) deficiency syndrome. Identifiers: Orphanet 280763, MedGen C3279738, MONDO:0013551, OMIM 614066.

Allele frequency attached by ClinVar (database versions not stated): gnomAD exomes below 0.00001; ExAC 0.00001; gnomAD 0.00001.
gnomAD v4.1: 4 of 1,609,894 alleles (0.00025%); highest among the groups gnomAD compares: Admixed American, 0.0033%; no homozygotes.

Submission:

Labcorp Genetics (formerly Invitae), Labcorp
Classification: Uncertain significance for Hereditary spastic paraplegia 47. Last evaluated: 2021-06-15. Review status: criteria provided, single submitter. Criteria: Invitae Variant Classification Sherloc (09022015). Collection method: clinical testing. Allele origin: germline.
Comment: In summary, the available evidence is currently insufficient to determine the role of this variant in disease. Therefore, it has been classified as a Variant of Uncertain Significance. This sequence change replaces cysteine with arginine at codon 382 of the AP4B1 protein (p.Cys382Arg). The cysteine residue is highly conserved and there is a large physicochemical difference between cysteine and arginine. This variant is present in population databases (rs781635999, ExAC 0.002%). This variant has not been reported in the literature in individuals with AP4B1-related conditions. Algorithms developed to predict the effect of missense changes on protein structure and function are either unavailable or do not agree on the potential impact of this missense change (SIFT: "Deleterious"; PolyPhen-2: "Probably Damaging"; Align-GVGD: "Class C0").

NM_001253852.3(AP4B1):c.1144T>C (p.Cys382Arg)

Genes: AP4B1 (adaptor related protein complex 4 subunit beta 1; minus strand), AP4B1-AS1 (AP4B1 antisense RNA 1; plus strand). Cytogenetic location: 1p13.2.
Variant type: single nucleotide variant.
Coding change: c.1144T>C on transcript NM_001253852.3 (MANE Select); coding-DNA position 1144, T replaced by C.
Protein change: p.Cys382Arg; replaces cysteine 382 with arginine.
Molecular consequence: missense variant.
Genome position (GRCh38, 1-based): chr1:113,898,772, A>G on the plus strand (T>C on the coding strand, the complement: AP4B1 is on the minus strand). VCF-style: chr1-113898772-A-G. GRCh37 (hg19) VCF-style: chr1-114441394-A-G.
Other names: c.847T>C, p.Cys283Arg (NM_001253853.3); c.640T>C, p.Cys214Arg (NM_001308312.2); c.1144T>C, p.Cys382Arg (NM_006594.5); short protein forms C283R, C382R, C214R.
Identifiers: ClinVar variation 1398939 (VCV001398939.8), dbSNP rs781635999, ClinGen allele CA1015890.